The following is an entry in ClinVar:

ClinVar aggregate classification (germline): Uncertain significance (1 of 4 stars; one submission).

Submission:

Labcorp Genetics (formerly Invitae), Labcorp
Classification: Uncertain significance. Last evaluated: 2023-12-21. Review status: criteria provided, single submitter. Criteria: Invitae Variant Classification Sherloc (09022015). Collection method: clinical testing. Allele origin: germline.
Comment: This sequence change replaces valine, which is neutral and non-polar, with leucine, which is neutral and non-polar, at codon 2125 of the FAT4 protein (p.Val2125Leu). This variant is not present in population databases (gnomAD no frequency). This variant has not been reported in the literature in individuals affected with FAT4-related conditions. Advanced modeling of protein sequence and biophysical properties (such as structural, functional, and spatial information, amino acid conservation, physicochemical variation, residue mobility, and thermodynamic stability) performed at Invitae indicates that this missense variant is not expected to disrupt FAT4 protein function with a negative predictive value of 80%. In summary, the available evidence is currently insufficient to determine the role of this variant in disease. Therefore, it has been classified as a Variant of Uncertain Significance.

NM_001291303.3(FAT4):c.6373G>T (p.Val2125Leu)

Gene: FAT4 (FAT atypical cadherin 4; plus strand). Cytogenetic location: 4q28.1.
Variant type: single nucleotide variant.
Coding change: c.6373G>T on transcript NM_001291303.3 (MANE Select); coding-DNA position 6373, G replaced by T.
Protein change: p.Val2125Leu; replaces valine 2125 with leucine.
Molecular consequence: missense variant.
Genome position (GRCh38, 1-based): chr4:125,415,336, G>T. VCF-style: chr4-125415336-G-T. GRCh37 (hg19) VCF-style: chr4-126336491-G-T.
Other names: c.6373G>T, p.Val2125Leu (NM_001291285.3, NM_024582.6); short protein forms V2125L.
Identifiers: ClinVar variation 2863424 (VCV002863424.3), dbSNP rs2530780613, ClinGen allele CA358129173.